The following is an entry in ClinVar:

ClinVar aggregate classification (germline): Uncertain significance. Review status: criteria provided, multiple submitters, no conflicts (2 of 4 stars). 3 submissions from 3 submitters: Uncertain significance (3). Last evaluated 2023-04-09.

Conditions:
Emery-Dreifuss muscular dystrophy 4, autosomal dominant (EDMD4). Also called: EMERY-DREIFUSS MUSCULAR DYSTROPHY 4 WITH VARIABLE FEATURES. Identifiers: Orphanet 261, MedGen C2751807, MONDO:0013071, OMIM 612998.
Autosomal recessive ataxia, Beauce type. Also called: ATAXIA, RECESSIVE, OF BEAUCE; Spinocerebellar ataxia, autosomal recessive 8; SYNE1-Related Autosomal Recessive Cerebellar Ataxia; SYNE1 Deficiency. Identifiers: Orphanet 88644, MedGen C1853116, MONDO:0012549, OMIM 610743.

Allele frequency attached by ClinVar (database versions not stated): gnomAD exomes below 0.00001; TOPMed 0.00001; gnomAD 0.00002.
gnomAD v4.1: 5 of 1,614,002 alleles (0.00031%); highest among the groups gnomAD compares: Non-Finnish European, 0.00042%; no homozygotes.

Submissions (3):

Labcorp Genetics (formerly Invitae), Labcorp
Classification: Uncertain significance for Emery-Dreifuss muscular dystrophy 4, autosomal dominant; Autosomal recessive ataxia, Beauce type. Last evaluated: 2023-04-09. Review status: criteria provided, single submitter. Criteria: Invitae Variant Classification Sherloc (09022015). Collection method: clinical testing. Allele origin: germline.
Comment: In summary, the available evidence is currently insufficient to determine the role of this variant in disease. Therefore, it has been classified as a Variant of Uncertain Significance. An algorithm developed to predict the effect of missense changes on protein structure and function (PolyPhen-2) suggests that this variant is likely to be disruptive. ClinVar contains an entry for this variant (Variation ID: 1386868). This variant has not been reported in the literature in individuals affected with SYNE1-related conditions. This variant is present in population databases (rs200432574, gnomAD 0.007%). This sequence change replaces alanine, which is neutral and non-polar, with serine, which is neutral and polar, at codon 2053 of the SYNE1 protein (p.Ala2053Ser).

Revvity Omics, Revvity
Classification: Uncertain significance. Last evaluated: 2019-12-16. Review status: criteria provided, single submitter. Criteria: ACMG Guidelines, 2015. Collection method: clinical testing. Allele origin: germline.

Blueprint Genetics
Classification: Uncertain significance. Last evaluated: 2018-09-21. Review status: criteria provided, single submitter. Criteria: ACMG Guidelines, 2015. Collection method: clinical testing. Allele origin: germline.

NM_182961.4(SYNE1):c.6136G>T (p.Ala2046Ser)

Gene: SYNE1 (spectrin repeat containing nuclear envelope protein 1; minus strand). Cytogenetic location: 6q25.2.
Variant type: single nucleotide variant.
Coding change: c.6136G>T on transcript NM_182961.4 (MANE Select); coding-DNA position 6136, G replaced by T.
Protein change: p.Ala2046Ser; replaces alanine 2046 with serine.
Molecular consequence: missense variant.
Genome position (GRCh38, 1-based): chr6:152,413,446, C>A on the plus strand (G>T on the coding strand, the complement: SYNE1 is on the minus strand). VCF-style: chr6-152413446-C-A. GRCh37 (hg19) VCF-style: chr6-152734581-C-A.
Other names: c.6157G>T (NM_033071.3); c.6157G>T, p.Ala2053Ser (NM_033071.5); short protein forms A2046S, A2053S.
Identifiers: ClinVar variation 1386868 (VCV001386868.11), dbSNP rs200432574, ClinGen allele CA150206042.
Genomic context (GRCh38, chr6:152,413,446, plus strand): 5'-TGACCTCTAAGCGGTTTATCTCCCTGTCAACTTCAGGTGCAAAAGCTACATCTTTCTGGG[C>A]AATTTGCTTGGCTTTGTCTTTCAACCAACATAGTTCATGCTCGTGAGAATTCAATTCATC-3'
Protein context (NP_892006.3, residues 2036-2056): CWLKDKAKQI[Ala2046Ser]QKDVAFAPEV